The following is an entry in ClinVar:

NM_198586.3(NHLRC1):c.713C>G (p.Ser238Cys)

Gene: NHLRC1 (NHL repeat containing E3 ubiquitin protein ligase 1; minus strand). Cytogenetic location: 6p22.3.
Variant type: single nucleotide variant.
Coding change: c.713C>G on transcript NM_198586.3 (MANE Select); coding-DNA position 713, C replaced by G.
Protein change: p.Ser238Cys; replaces serine 238 with cysteine.
Molecular consequence: missense variant.
Genome position (GRCh38, 1-based): chr6:18,121,894, G>C on the plus strand (C>G on the coding strand, the complement: NHLRC1 is on the minus strand). VCF-style: chr6-18121894-G-C. GRCh37 (hg19) VCF-style: chr6-18122125-G-C.
Other names: c.713C>G (NM_198586.2); short protein forms S238C.
Identifiers: ClinVar variation 1050968 (VCV001050968.9), dbSNP rs747276703, ClinGen allele CA362826410.

ClinVar aggregate classification (germline): Uncertain significance. Review status: criteria provided, multiple submitters, no conflicts (2 of 4 stars). 2 submissions from 2 submitters: Uncertain significance (2). Last evaluated 2025-08-11.

Conditions:
Inborn genetic diseases. Identifiers: MedGen C0950123, MeSH D030342.
Lafora disease. Also called: Epilepsy progressive myoclonic 2. Identifiers: Orphanet 501, MedGen C0751783, MONDO:0009697.

Allele frequency attached by ClinVar (database versions not stated): gnomAD 0.00001.

Submissions (2):

Ambry Genetics
Classification: Uncertain significance for Inborn genetic diseases. Last evaluated: 2025-08-11. Review status: criteria provided, single submitter. Criteria: Ambry Variant Classification Scheme 2023. Collection method: clinical testing. Allele origin: germline.

Labcorp Genetics (formerly Invitae), Labcorp
Classification: Uncertain significance for Lafora disease. Last evaluated: 2020-05-04. Review status: criteria provided, single submitter. Criteria: Invitae Variant Classification Sherloc (09022015). Collection method: clinical testing. Allele origin: germline.
Comment: In summary, the available evidence is currently insufficient to determine the role of this variant in disease. Therefore, it has been classified as a Variant of Uncertain Significance. Algorithms developed to predict the effect of missense changes on protein structure and function are either unavailable or do not agree on the potential impact of this missense change (SIFT: "Deleterious"; PolyPhen-2: "Benign"; Align-GVGD: "Class C15"). This sequence change replaces serine with cysteine at codon 238 of the NHLRC1 protein (p.Ser238Cys). The serine residue is moderately conserved and there is a moderate physicochemical difference between serine and cysteine. This variant is not present in population databases (ExAC no frequency). This variant has not been reported in the literature in individuals with NHLRC1-related conditions.